The following is an entry in ClinVar:

ClinVar aggregate classification (germline): Pathogenic (1 of 4 stars; one submission).

Submission:

Labcorp Genetics (formerly Invitae), Labcorp
Classification: Pathogenic. Last evaluated: 2022-09-28. Review status: criteria provided, single submitter. Criteria: Invitae Variant Classification Sherloc (09022015). Collection method: clinical testing. Allele origin: germline.
Comment: For these reasons, this variant has been classified as Pathogenic. This variant has not been reported in the literature in individuals affected with TNFRSF9-related conditions. This variant is not present in population databases (gnomAD no frequency). This sequence change creates a premature translational stop signal (p.Met101Serfs*12) in the TNFRSF9 gene. It is expected to result in an absent or disrupted protein product. Loss-of-function variants in TNFRSF9 are known to be pathogenic (PMID: 30872117, 31501153).

Literature cited by the submitters: PubMed 30872117; PubMed 31501153.

NM_001561.6(TNFRSF9):c.302del (p.Met101fs)

Gene: TNFRSF9 (TNF receptor superfamily member 9; minus strand). Cytogenetic location: 1p36.23.
Variant type: Deletion.
Coding change: c.302del on transcript NM_001561.6 (MANE Select); coding-DNA position 302, one base deleted (T; older notation c.302delT).
Protein change: p.Met101fs; shifts the reading frame from methionine 101.
Molecular consequence: frameshift variant.
Genome position (GRCh38, 1-based): chr1:7,938,237, A deleted on the plus strand (T on the coding strand, the reverse complement: TNFRSF9 is on the minus strand). VCF-style (leftmost placement, unchanged base first): chr1-7938236-CA-C. GRCh37 (hg19) VCF-style: chr1-7998296-CA-C.
Other names: short protein forms M101fs.
Identifiers: ClinVar variation 2033256 (VCV002033256.4), dbSNP rs2527270913, ClinGen allele CA2580062556.